The following is an entry in ClinVar:

ClinVar aggregate classification (germline): Uncertain significance (1 of 4 stars; one submission).

Allele frequency attached by ClinVar (database versions not stated): gnomAD 0.00001; gnomAD exomes 0.00002; ESP Exome Variant Server 0.00008.
gnomAD v4.1: 25 of 1,607,414 alleles (0.0016%); highest among the groups gnomAD compares: East Asian, 0.0022%; no homozygotes.

Submission:

Labcorp Genetics (formerly Invitae), Labcorp
Classification: Uncertain significance. Last evaluated: 2023-09-17. Review status: criteria provided, single submitter. Criteria: Invitae Variant Classification Sherloc (09022015). Collection method: clinical testing. Allele origin: germline.
Comment: This sequence change replaces arginine, which is basic and polar, with glutamine, which is neutral and polar, at codon 1801 of the DSCAML1 protein (p.Arg1801Gln). This variant is present in population databases (rs372286656, gnomAD 0.004%). This variant has not been reported in the literature in individuals affected with DSCAML1-related conditions. An algorithm developed to predict the effect of missense changes on protein structure and function (PolyPhen-2) suggests that this variant is likely to be disruptive. In summary, the available evidence is currently insufficient to determine the role of this variant in disease. Therefore, it has been classified as a Variant of Uncertain Significance.

NM_020693.4(DSCAML1):c.5222G>A (p.Arg1741Gln)

Gene: DSCAML1 (DS cell adhesion molecule like 1; minus strand). Cytogenetic location: 11q23.3.
Variant type: single nucleotide variant.
Coding change: c.5222G>A on transcript NM_020693.4 (MANE Select); coding-DNA position 5222, G replaced by A.
Protein change: p.Arg1741Gln; replaces arginine 1741 with glutamine.
Molecular consequence: missense variant.
Genome position (GRCh38, 1-based): chr11:117,431,686, C>T on the plus strand (G>A on the coding strand, the complement: DSCAML1 is on the minus strand). VCF-style: chr11-117431686-C-T. GRCh37 (hg19) VCF-style: chr11-117302402-C-T.
Other names: short protein forms R1741Q.
Identifiers: ClinVar variation 2833793 (VCV002833793.3), dbSNP rs372286656, ClinGen allele CA229396933.